The following is an entry in ClinVar:

ClinVar aggregate classification (germline): Uncertain significance (1 of 4 stars; one submission).

Conditions:
SEMA3G-related disorder. Also called: SEMA3G-related condition.

Submission:

PreventionGenetics, part of Exact Sciences
Classification: Uncertain significance for SEMA3G-related condition. Last evaluated: 2026-06-16. Review status: criteria provided, single submitter. Criteria: ACMG Guidelines, 2015. Collection method: clinical testing. Allele origin: germline.
Comment: The SEMA3G c.1255C>T variant is predicted to result in the amino acid substitution p.Arg419Trp. To our knowledge, this variant has not been reported in the literature. This variant is reported in 0.0053% of alleles in individuals of European (Non-Finnish) descent in gnomAD. At this time, the clinical significance of this variant is uncertain due to the absence of conclusive functional and genetic evidence.

NM_020163.3(SEMA3G):c.1255C>T (p.Arg419Trp)

Gene: SEMA3G (semaphorin 3G; minus strand). Cytogenetic location: 3p21.1.
Variant type: single nucleotide variant.
Coding change: c.1255C>T on transcript NM_020163.3 (MANE Select); coding-DNA position 1255, C replaced by T.
Protein change: p.Arg419Trp; replaces arginine 419 with tryptophan.
Molecular consequence: missense variant.
Genome position (GRCh38, 1-based): chr3:52,439,987, G>A on the plus strand (C>T on the coding strand, the complement: SEMA3G is on the minus strand). VCF-style: chr3-52439987-G-A. GRCh37 (hg19) VCF-style: chr3-52474003-G-A.
Other names: short protein forms R419W.
Identifiers: ClinVar variation 4978997 (VCV004978997.1).